The following is an entry in ClinVar:

ClinVar aggregate classification (germline): Uncertain significance (1 of 4 stars; one submission).

Submission:

GeneDx
Classification: Uncertain significance. Last evaluated: 2024-08-01. Review status: criteria provided, single submitter. Criteria: GeneDx Variant Classification Process June 2021. Collection method: clinical testing. Allele origin: germline. Affected: yes.
Comment: Not observed at significant frequency in large population cohorts (gnomAD); In-frame insertion of 14 amino acids in a non-repeat region; Has not been previously published as pathogenic or benign to our knowledge

NM_006885.4(ZFHX3):c.10029_10070dup (p.Pro3357_Gly3358insTyrSerProAlaLeuSerGlnAlaLeuMetGlyLeuSerPro)

Genes: ZFHX3 (zinc finger homeobox 3; minus strand), ZFHX3-AS1 (ZFHX3 antisense RNA 1; plus strand). Cytogenetic location: 16q22.2.
Variant type: Duplication.
Coding change: c.10029_10070dup on transcript NM_006885.4 (MANE Select); coding-DNA positions 10029 to 10070, 42 bases duplicated.
Protein change: p.Pro3357_Gly3358insTyrSerProAlaLeuSerGlnAlaLeuMetGlyLeuSerPro.
Molecular consequence: inframe insertion.
Genome position (GRCh38, 1-based): chr16:72,788,206-72,788,247, 42 bases duplicated; duplicating any 42 consecutive bases within chr16:72,788,206-72,788,250 gives the same sequence; the c. name uses the placement nearest the transcript's 3' end. GRCh37 (hg19): chr16:72,822,108-72,822,149.
Other names: c.7287_7328dup, p.Pro2443_Gly2444insTyrSerProAlaLeuSerGlnAlaLeuMetGlyLeuSerPro (NM_001164766.2); c.10029_10070dup, p.Pro3357_Gly3358insTyrSerProAlaLeuSerGlnAlaLeuMetGlyLeuSerPro (NM_001386735.1).
Identifiers: ClinVar variation 3603036 (VCV003603036.1).